The following is an entry in ClinVar:

ClinVar aggregate classification (germline): Uncertain significance (1 of 4 stars; one submission).

Conditions:
Leigh syndrome (NULS). Also called: Leigh's necrotizing encephalopathy; Leigh's disease; Leigh's syndrome; LEIGH SYNDROME, NUCLEAR; Leigh Syndrome (mtDNA deletion); Leigh Disease. Identifiers: Orphanet 506, MedGen C2931891, MONDO:0009723, OMIM 256000.

Submission:

Wong Mito Lab, Molecular and Human Genetics, Baylor College of Medicine
Classification: Uncertain significance for Leigh syndrome. Last evaluated: 2019-10-17. Review status: criteria provided, single submitter. Criteria: Modified ACMG Guidelines (Unpublished). Collection method: clinical testing. Allele origin: germline.
Comment: The NC_012920.1:m.15309T>C (YP_003024038.1:p.Ile188Thr) variant in MTCYB gene is interpretated to be a Uncertain Significance variant based on the modified ACMG guidelines (unpublished). This variant meets the following evidence codes: PP6

NC_012920.1(MT-CYB):m.15309T>C

Gene: MT-CYB (mitochondrially encoded cytochrome b; plus strand).
Variant type: single nucleotide variant.
Genome position: chrM-15309-T-C.
Identifiers: ClinVar variation 693862 (VCV000693862.1), dbSNP rs1603225211, ClinGen allele CA913173520.